The following is an entry in ClinVar:

NM_015272.5(RPGRIP1L):c.230+733A>G

Gene: RPGRIP1L (RPGRIP1 like; minus strand). Cytogenetic location: 16q12.2.
Variant type: single nucleotide variant.
Coding change: c.230+733A>G on transcript NM_015272.5 (MANE Select); 733 bases into the intron after coding-DNA position 230, A replaced by G.
Molecular consequence: intron variant. On other transcripts: missense variant (1).
Genome position (GRCh38, 1-based): chr16:53,695,418, T>C on the plus strand (A>G on the coding strand, the complement: RPGRIP1L is on the minus strand). VCF-style: chr16-53695418-T-C. GRCh37 (hg19) VCF-style: chr16-53729330-T-C.
Other names: c.271A>G, p.Arg91Gly (NM_001328422.2); c.230+733A>G (NM_001127897.4, NM_001330538.2, NM_001308334.3); short protein forms R91G.
Identifiers: ClinVar variation 2635636 (VCV002635636.2), dbSNP rs761017593, ClinGen allele CA281377255.

ClinVar aggregate classification (germline): Uncertain significance (0 of 4 stars; one submission).

Conditions:
RPGRIP1L-related disorder. Also called: RPGRIP1L-related disorders; RPGRIP1L-related condition. Identifiers: MedGen CN239416.

Allele frequency attached by ClinVar (database versions not stated): gnomAD 0.00003; gnomAD exomes 0.00004; TOPMed 0.00006.
gnomAD v4.1: 28 of 702,898 alleles (0.004%); highest among the groups gnomAD compares: Middle Eastern, 0.068%; no homozygotes.

Submission:

PreventionGenetics, part of Exact Sciences
Classification: Uncertain significance for RPGRIP1L-related condition. Last evaluated: 2024-07-10. Review status: no assertion criteria provided. Collection method: clinical testing. Allele origin: germline.
Comment: The RPGRIP1L c.271A>G variant is predicted to result in the amino acid substitution p.Arg91Gly. To our knowledge, this variant has not been reported in the literature. This variant is reported in 0.0044% of alleles in individuals of European (Non-Finnish) descent in gnomAD. At this time, the clinical significance of this variant is uncertain due to the absence of conclusive functional and genetic evidence.